The following is an entry in ClinVar:

ClinVar aggregate classification (germline): Uncertain significance (1 of 4 stars; one submission).

Allele frequency attached by ClinVar (database versions not stated): gnomAD exomes below 0.00001; ExAC 0.00001.
gnomAD v4.1: 1 of 1,613,102 alleles (0.000062%); highest among the groups gnomAD compares: Non-Finnish European, 0.000085%; no homozygotes.

Submission:

Labcorp Genetics (formerly Invitae), Labcorp
Classification: Uncertain significance. Last evaluated: 2023-06-05. Review status: criteria provided, single submitter. Criteria: Invitae Variant Classification Sherloc (09022015). Collection method: clinical testing. Allele origin: germline.
Comment: In summary, the available evidence is currently insufficient to determine the role of this variant in disease. Therefore, it has been classified as a Variant of Uncertain Significance. Advanced modeling of protein sequence and biophysical properties (such as structural, functional, and spatial information, amino acid conservation, physicochemical variation, residue mobility, and thermodynamic stability) has been performed at Invitae for this missense variant, however the output from this modeling did not meet the statistical confidence thresholds required to predict the impact of this variant on RAI1 protein function. This variant has not been reported in the literature in individuals affected with RAI1-related conditions. This variant is present in population databases (rs766418162, gnomAD 0.0009%). This sequence change replaces alanine, which is neutral and non-polar, with valine, which is neutral and non-polar, at codon 139 of the RAI1 protein (p.Ala139Val).

NM_030665.4(RAI1):c.416C>T (p.Ala139Val)

Gene: RAI1 (retinoic acid induced 1; plus strand). Cytogenetic location: 17p11.2.
Variant type: single nucleotide variant.
Coding change: c.416C>T on transcript NM_030665.4 (MANE Select); coding-DNA position 416, C replaced by T.
Protein change: p.Ala139Val; replaces alanine 139 with valine.
Molecular consequence: missense variant.
Genome position (GRCh38, 1-based): chr17:17,793,364, C>T. VCF-style: chr17-17793364-C-T. GRCh37 (hg19) VCF-style: chr17-17696678-C-T.
Other names: short protein forms A139V.
Identifiers: ClinVar variation 2769973 (VCV002769973.3), dbSNP rs766418162, ClinGen allele CA8418121.